The following is an entry in ClinVar:

NM_004958.4(MTOR):c.482A>G (p.Asn161Ser)

Gene: MTOR (mechanistic target of rapamycin kinase; minus strand). Cytogenetic location: 1p36.22.
Variant type: single nucleotide variant.
Coding change: c.482A>G on transcript NM_004958.4 (MANE Select); coding-DNA position 482, A replaced by G.
Protein change: p.Asn161Ser; replaces asparagine 161 with serine.
Molecular consequence: missense variant.
Genome position (GRCh38, 1-based): chr1:11,256,955, T>C on the plus strand (A>G on the coding strand, the complement: MTOR is on the minus strand). VCF-style: chr1-11256955-T-C. GRCh37 (hg19) VCF-style: chr1-11317012-T-C.
Other names: short protein forms N161S.
Identifiers: ClinVar variation 701588 (VCV000701588.15), dbSNP rs151205593, ClinGen allele CA590939.
Genomic context (GRCh38, chr1:11,256,955, plus strand): 5'-CCCCAAGCCTGGCTGTGCTCCTCCCTGTAGACACTCACAGCTGCATGTCTCCGGCCCTCA[T>C]TGCGGTCAGCACCCAGCCATTCCAGGGCTCGCTTCACCTCAAATTCCACGTACTCAGCGG-3'
Protein context (NP_004949.1, residues 151-171): RALEWLGADR[Asn161Ser]EGRRHAAVLV

ClinVar aggregate classification (germline): Benign/Likely benign. Review status: criteria provided, multiple submitters, no conflicts (2 of 4 stars). 3 submissions from 3 submitters: Benign (1); Likely benign (1). 1 of the submissions does not count toward it. Last evaluated 2025-08-31.

Conditions:
MTOR-related disorder. Also called: MTOR-related condition.

Allele frequency attached by ClinVar (database versions not stated): gnomAD exomes 0.00003 and 0.00008; ExAC 0.00010; ESP Exome Variant Server 0.00023; TOPMed 0.00032; gnomAD 0.00033 and 0.00036.

Submissions (3):

Labcorp Genetics (formerly Invitae), Labcorp
Classification: Likely benign. Last evaluated: 2025-08-31. Review status: criteria provided, single submitter. Criteria: Invitae Variant Classification Sherloc (09022015). Collection method: clinical testing. Allele origin: germline.

GeneDx
Classification: Benign. Last evaluated: 2020-03-31. Review status: criteria provided, single submitter. Criteria: GeneDx Variant Classification Process June 2021. Collection method: clinical testing. Allele origin: germline. Affected: yes.

PreventionGenetics, part of Exact Sciences
Classification: Likely benign for MTOR-related condition. Last evaluated: 2022-09-08. Review status: no assertion criteria provided. Collection method: clinical testing. Allele origin: germline. Not counted in ClinVar's aggregate classification.
Comment: This variant is classified as likely benign based on ACMG/AMP sequence variant interpretation guidelines (Richards et al. 2015 PMID: 25741868, with internal and published modifications).